The following is an entry in ClinVar:

ClinVar aggregate classification (germline): Uncertain significance (1 of 4 stars; one submission).

Conditions:
Dilated cardiomyopathy 1P (CMD1P). Identifiers: Orphanet 154, MedGen C1835928, MONDO:0012362, OMIM 609909.

Submission:

Labcorp Genetics (formerly Invitae), Labcorp
Classification: Uncertain significance for Dilated cardiomyopathy 1P. Last evaluated: 2023-01-25. Review status: criteria provided, single submitter. Criteria: Invitae Variant Classification Sherloc (09022015). Collection method: clinical testing. Allele origin: germline.
Comment: Algorithms developed to predict the effect of missense changes on protein structure and function are either unavailable or do not agree on the potential impact of this missense change (SIFT: "Deleterious"; PolyPhen-2: "Possibly Damaging"; Align-GVGD: "Class C15"). In summary, the available evidence is currently insufficient to determine the role of this variant in disease. Therefore, it has been classified as a Variant of Uncertain Significance. This variant has not been reported in the literature in individuals affected with PLN-related conditions. This variant is not present in population databases (gnomAD no frequency). This sequence change replaces leucine, which is neutral and non-polar, with phenylalanine, which is neutral and non-polar, at codon 43 of the PLN protein (p.Leu43Phe).

NM_002667.5(PLN):c.129G>C (p.Leu43Phe)

Genes: PLN (phospholamban; plus strand), CEP85L (centrosomal protein 85L; minus strand). Cytogenetic location: 6q22.31.
Variant type: single nucleotide variant.
Coding change: c.129G>C on transcript NM_002667.5 (MANE Select); coding-DNA position 129, G replaced by C.
Protein change: p.Leu43Phe; replaces leucine 43 with phenylalanine.
Molecular consequence: missense variant. On other transcripts: intron variant (3).
Genome position (GRCh38, 1-based): chr6:118,559,050, G>C. VCF-style: chr6-118559050-G-C. GRCh37 (hg19) VCF-style: chr6-118880213-G-C.
Other names: c.1029+6479C>G (NM_001178035.2); c.1020+6479C>G (NM_001042475.3, NM_206921.3); short protein forms L43F.
Identifiers: ClinVar variation 2831857 (VCV002831857.3), dbSNP rs2534334022, ClinGen allele CA365546675.
Genomic context (GRCh38, chr6:118,559,050, plus strand): 5'-AGCACGTCAAAAGCTACAGAATCTATTTATCAATTTCTGTCTCATCTTAATATGTCTCTT[G>C]CTGATCTGTATCATCGTGATGCTTCTCTGAAGTTCTGCTACAACCTCTAGATCTGCAGCT-3'
Protein context (NP_002658.1, residues 33-52): INFCLILICL[Leu43Phe]LICIIVMLL